The following is an entry in ClinVar:

ClinVar aggregate classification (germline): Uncertain significance. Review status: criteria provided, multiple submitters, no conflicts (2 of 4 stars). 2 submissions from 2 submitters: Uncertain significance (2). Last evaluated 2022-06-10.

Conditions:
Melorheostosis (MEL). Also called: MELORHEOSTOSIS, ISOLATED. Identifiers: Orphanet 2485, MedGen C3149631, MONDO:0007970, OMIM 155950, HP:6000817.
Cardiofaciocutaneous syndrome 3 (CFC3). Also called: MAP2K1-Related Cardiofaciocutaneous Syndrome. Identifiers: Orphanet 1340, MedGen C3809006, MONDO:0014113, OMIM 615279.
RASopathy. Also called: rasopathies; Noonan spectrum disorder. Identifiers: Orphanet 536391, MedGen C5555857, MONDO:0021060.

Allele frequency attached by ClinVar (database versions not stated): gnomAD exomes below 0.00001; ExAC 0.00001.
gnomAD v4.1: 2 of 1,613,926 alleles (0.00012%); highest among the groups gnomAD compares: Non-Finnish European, 0.00017%; no homozygotes.

Submissions (2):

Labcorp Genetics (formerly Invitae), Labcorp
Classification: Uncertain significance for RASopathy. Last evaluated: 2022-06-10. Review status: criteria provided, single submitter. Criteria: Invitae Variant Classification Sherloc (09022015). Collection method: clinical testing. Allele origin: germline.
Comment: In summary, the available evidence is currently insufficient to determine the role of this variant in disease. Therefore, it has been classified as a Variant of Uncertain Significance. This variant disrupts the p.Asn122 amino acid residue in MAP2K1. Other variant(s) that disrupt this residue have been determined to be pathogenic (Invitae). This suggests that this residue is clinically significant, and that variants that disrupt this residue are likely to be disease-causing. Algorithms developed to predict the effect of missense changes on protein structure and function (SIFT, PolyPhen-2, Align-GVGD) all suggest that this variant is likely to be disruptive. This variant has not been reported in the literature in individuals affected with MAP2K1-related conditions. This variant is present in population databases (rs757254963, gnomAD 0.0009%). This sequence change replaces asparagine, which is neutral and polar, with serine, which is neutral and polar, at codon 122 of the MAP2K1 protein (p.Asn122Ser).

Juno Genomics, Hangzhou Juno Genomics, Inc
Classification: Uncertain significance for Cardiofaciocutaneous syndrome 3; Melorheostosis. Review status: criteria provided, single submitter. Criteria: ACMG Guidelines, 2015. Collection method: clinical testing. Allele origin: germline.
Comment: Missense variant in a gene that has a low rate of benign missense variation.;Novel missense change at an amino acid residue where a different missense change determined to be pathogenic has been seen before.

NM_002755.4(MAP2K1):c.365A>G (p.Asn122Ser)

Gene: MAP2K1 (mitogen-activated protein kinase kinase 1; plus strand). Cytogenetic location: 15q22.31.
Variant type: single nucleotide variant.
Coding change: c.365A>G on transcript NM_002755.4 (MANE Select); coding-DNA position 365, A replaced by G.
Protein change: p.Asn122Ser; replaces asparagine 122 with serine.
Molecular consequence: missense variant.
Genome position (GRCh38, 1-based): chr15:66,436,819, A>G. VCF-style: chr15-66436819-A-G. GRCh37 (hg19) VCF-style: chr15-66729157-A-G.
Other names: c.299A>G, p.Asn100Ser (NM_001411065.1); short protein forms N122S, N100S.
Identifiers: ClinVar variation 2004312 (VCV002004312.6), dbSNP rs757254963, ClinGen allele CA7623913.